The following is an entry in ClinVar:

NM_020975.6(RET):c.1063+6A>G

Gene: RET (ret proto-oncogene; plus strand). Cytogenetic location: 10q11.21.
Variant type: single nucleotide variant.
Coding change: c.1063+6A>G on transcript NM_020975.6 (MANE Select); 6 bases into the intron after coding-DNA position 1063, A replaced by G.
Molecular consequence: intron variant.
Genome position (GRCh38, 1-based): chr10:43,106,577, A>G. VCF-style: chr10-43106577-A-G. GRCh37 (hg19) VCF-style: chr10-43602025-A-G.
Other names: c.1063+6A>G (NM_001406743.1, NM_001406744.1, NM_001406759.1 and 4 more transcripts); c.867+1384A>G (NM_001406772.1, NM_001406769.1); c.626-2454A>G (NM_001406773.1, NM_001406771.1); c.625+3948A>G (NM_001406782.1, NM_001406780.1, NM_001406779.1 and 3 more transcripts); c.934+6A>G (NM_001406764.1, NM_001406762.1, NM_001406761.1 and 1 more transcripts); c.738+1384A>G (NM_001406774.1); c.496+3948A>G (NM_001406786.1, NM_001406783.1); c.775+6A>G (NM_001406770.1, NM_001406766.1, NM_001406767.1); and 5 more.
Identifiers: ClinVar variation 2772556 (VCV002772556.3), dbSNP rs1588867431, ClinGen allele CA2608869780.

ClinVar aggregate classification (germline): Uncertain significance (1 of 4 stars; one submission).

Conditions:
Multiple endocrine neoplasia, type 2 (MEN2). Identifiers: Orphanet 653, MedGen C4048306, MONDO:0019003. Disease mechanism: gain of function.

Allele frequency attached by ClinVar (database versions not stated): gnomAD exomes below 0.00001.
gnomAD v4.1: 1 of 1,612,972 alleles (0.000062%); highest among the groups gnomAD compares: Non-Finnish European, 0.000085%; no homozygotes.

Submission:

Labcorp Genetics (formerly Invitae), Labcorp
Classification: Uncertain significance for Multiple endocrine neoplasia, type 2. Last evaluated: 2023-10-29. Review status: criteria provided, single submitter. Criteria: Invitae Variant Classification Sherloc (09022015). Collection method: clinical testing. Allele origin: germline.
Comment: This sequence change falls in intron 5 of the RET gene. It does not directly change the encoded amino acid sequence of the RET protein. It affects a nucleotide within the consensus splice site. This variant is not present in population databases (gnomAD no frequency). This variant has not been reported in the literature in individuals affected with RET-related conditions. Variants that disrupt the consensus splice site are a relatively common cause of aberrant splicing (PMID: 17576681, 9536098). Algorithms developed to predict the effect of sequence changes on RNA splicing suggest that this variant is not likely to affect RNA splicing. In summary, the available evidence is currently insufficient to determine the role of this variant in disease. Therefore, it has been classified as a Variant of Uncertain Significance.

Literature cited by the submitters: PubMed 17576681; PubMed 9536098.